The following is an entry in ClinVar:

ClinVar aggregate classification (germline): Likely benign. Review status: criteria provided, multiple submitters, no conflicts (2 of 4 stars). 11 submissions from 11 submitters: Likely benign (10). 1 of the submissions does not count toward it. Last evaluated 2026-01-15.

Conditions:
Inborn genetic diseases. Identifiers: MedGen C0950123, MeSH D030342.
AP4B1-related disorder. Also called: AP4B1-related condition.
Hereditary spastic paraplegia. Also called: Familial spastic paraparesis. Identifiers: Orphanet 685, MedGen C0037773, MONDO:0019064. Disease mechanism: loss of function.
Hereditary spastic paraplegia 47. Also called: adaptor protein 4 (AP-4) deficiency syndrome; Spastic paraplegia 47, autosomal recessive; CEREBRAL PALSY, SPASTIC QUADRIPLEGIC, 5. Identifiers: Orphanet 280763, MedGen C3279738, MONDO:0013551, OMIM 614066.

Allele frequency attached by ClinVar (database versions not stated): ESP Exome Variant Server 0.00108; 1000 Genomes Project 0.00120; 1000 Genomes Project 30x 0.00125; gnomAD exomes 0.00128 and 0.00141; gnomAD 0.00130 and 0.00142; ExAC 0.00132; TOPMed 0.00162.

Submissions (11):

Labcorp Genetics (formerly Invitae), Labcorp
Classification: Likely benign for Hereditary spastic paraplegia 47. Last evaluated: 2026-01-15. Review status: criteria provided, single submitter. Criteria: Invitae Variant Classification Sherloc (09022015). Collection method: clinical testing. Allele origin: germline.

Blueprint Genetics
Classification: Likely benign. Last evaluated: 2024-11-25. Review status: criteria provided, single submitter. Criteria: ACMG Guidelines, 2015. Collection method: clinical testing. Allele origin: germline.

CeGaT Center for Human Genetics Tuebingen
Classification: Likely benign. Last evaluated: 2024-07-01. Review status: criteria provided, single submitter. Criteria: CeGaT Center For Human Genetics Tuebingen Variant Classification Criteria Version 2. Collection method: clinical testing. Allele origin: germline. Affected: yes. Observed: 5 variant alleles.
Comment: AP4B1: BS2

Genome-Nilou Lab
Classification: Likely benign for Hereditary spastic paraplegia 47. Last evaluated: 2023-04-11. Review status: criteria provided, single submitter. Criteria: ACMG Guidelines, 2015. Collection method: clinical testing. Allele origin: germline. Affected: no.

Genome Diagnostics Laboratory, The Hospital for Sick Children
Classification: Likely benign for Hereditary spastic paraplegia. Last evaluated: 2021-06-16. Review status: criteria provided, single submitter. Criteria: ACMG Guidelines, 2015. Collection method: clinical testing. Allele origin: germline. Affected: yes.

Ambry Genetics
Classification: Likely benign for Inborn genetic diseases. Last evaluated: 2018-12-17. Review status: criteria provided, single submitter. Criteria: Ambry Variant Classification Scheme 2023. Collection method: clinical testing. Allele origin: germline.

GeneDx
Classification: Likely benign. Last evaluated: 2018-02-05. Review status: criteria provided, single submitter. Criteria: GeneDx Variant Classification (06012015). Collection method: clinical testing. Allele origin: germline. Affected: yes.
Comment: This variant is considered likely benign or benign based on one or more of the following criteria: it is a conservative change, it occurs at a poorly conserved position in the protein, it is predicted to be benign by multiple in silico algorithms, and/or has population frequency not consistent with disease.

Genetic Services Laboratory, University of Chicago
Classification: Likely benign. Last evaluated: 2017-04-10. Review status: criteria provided, single submitter. Criteria: ACMG Guidelines, 2015. Collection method: clinical testing. Allele origin: germline. Affected: no.

Genomic Diagnostic Laboratory, Division of Genomic Diagnostics, Children's Hospital of Philadelphia
Classification: Likely benign. Last evaluated: 2015-05-11. Review status: criteria provided, single submitter. Criteria: DGD Variant Analysis Guidelines. Collection method: clinical testing. Allele origin: unknown.

Breakthrough Genomics
Classification: Likely benign. Review status: criteria provided, single submitter. Criteria: ACMG Guidelines, 2015. Collection method: not provided. Allele origin: germline. Inheritance: Autosomal recessive inheritance. Affected: yes.

PreventionGenetics, part of Exact Sciences
Classification: Likely benign for AP4B1-related condition. Last evaluated: 2021-02-11. Review status: no assertion criteria provided. Collection method: clinical testing. Allele origin: germline. Not counted in ClinVar's aggregate classification.
Comment: This variant is classified as likely benign based on ACMG/AMP sequence variant interpretation guidelines (Richards et al. 2015 PMID: 25741868, with internal and published modifications).

NM_001253852.3(AP4B1):c.767C>T (p.Thr256Ile)

Genes: AP4B1 (adaptor related protein complex 4 subunit beta 1; minus strand), AP4B1-AS1 (AP4B1 antisense RNA 1; plus strand). Cytogenetic location: 1p13.2.
Variant type: single nucleotide variant.
Coding change: c.767C>T on transcript NM_001253852.3 (MANE Select); coding-DNA position 767, C replaced by T.
Protein change: p.Thr256Ile; replaces threonine 256 with isoleucine.
Molecular consequence: missense variant. On other transcripts: non-coding transcript variant (2).
Genome position (GRCh38, 1-based): chr1:113,900,251, G>A on the plus strand (C>T on the coding strand, the complement: AP4B1 is on the minus strand). VCF-style: chr1-113900251-G-A. GRCh37 (hg19) VCF-style: chr1-114442873-G-A.
Other names: c.470C>T, p.Thr157Ile (NM_001253853.3); c.263C>T, p.Thr88Ile (NM_001308312.2); c.767C>T, p.Thr256Ile (NM_006594.5); short protein forms T256I, T88I, T157I.
Identifiers: ClinVar variation 218686 (VCV000218686.57), dbSNP rs143286419, ClinGen allele CA248897.